The following is an entry in ClinVar:

NM_000051.4(ATM):c.8643G>C (p.Gln2881His)

Genes: ATM (ATM serine/threonine kinase; plus strand), C11orf65 (chromosome 11 open reading frame 65; minus strand). Cytogenetic location: 11q22.3.
Variant type: single nucleotide variant.
Coding change: c.8643G>C on transcript NM_000051.4 (MANE Select); coding-DNA position 8643, G replaced by C.
Protein change: p.Gln2881His; replaces glutamine 2881 with histidine.
Molecular consequence: missense variant. On other transcripts: intron variant (2).
Genome position (GRCh38, 1-based): chr11:108,347,337, G>C. VCF-style: chr11-108347337-G-C. GRCh37 (hg19) VCF-style: chr11-108218064-G-C.
Other names: c.8643G>C, p.Gln2881His (NM_001351834.2); c.641-38266C>G (NM_001330368.2); c.695-12045C>G (NM_001351110.2); short protein forms Q2881H.
Identifiers: ClinVar variation 1764143 (VCV001764143.2), dbSNP rs1591274305, ClinGen allele CA382520983.

ClinVar aggregate classification (germline): Uncertain significance (1 of 4 stars; one submission).

Conditions:
Hereditary cancer-predisposing syndrome. Also called: Hereditary neoplastic syndrome; Neoplastic Syndromes, Hereditary; Tumor predisposition; Hereditary Cancer Syndrome. Identifiers: Orphanet 140162, MedGen C0027672, MeSH D009386, MONDO:0015356.

Submission:

Ambry Genetics
Classification: Uncertain significance for Hereditary cancer-predisposing syndrome. Last evaluated: 2022-04-07. Review status: criteria provided, single submitter. Criteria: Ambry Variant Classification Scheme 2023. Collection method: clinical testing. Allele origin: germline.
Comment: The p.Q2881H variant (also known as c.8643G>C), located in coding exon 58 of the ATM gene, results from a G to C substitution at nucleotide position 8643. The glutamine at codon 2881 is replaced by histidine, an amino acid with highly similar properties. This amino acid position is conserved. In addition, this alteration is predicted to be tolerated by in silico analysis. Since supporting evidence is limited at this time, the clinical significance of this alteration remains unclear.